The following is an entry in ClinVar:

NM_032043.3(BRIP1):c.1666_1669del (p.Tyr556fs)

Gene: BRIP1 (BRCA1 interacting DNA helicase 1; minus strand). Cytogenetic location: 17q23.2.
Variant type: Deletion.
Coding change: c.1666_1669del on transcript NM_032043.3 (MANE Select); coding-DNA positions 1666 to 1669, 4 bases deleted (TACT; older notation c.1666_1669delTACT).
Protein change: p.Tyr556fs; shifts the reading frame from tyrosine 556.
Molecular consequence: frameshift variant.
Genome position (GRCh38, 1-based): chr17:61,780,965-61,780,968, AGTA deleted on the plus strand (TACT on the coding strand, the reverse complement: BRIP1 is on the minus strand); deleting any 4 consecutive bases within chr17:61,780,965-61,780,971 gives the same sequence; the c. name uses the placement nearest the transcript's 3' end. VCF-style (leftmost placement, unchanged base first): chr17-61780964-GAGTA-G. GRCh37 (hg19) VCF-style: chr17-59858325-GAGTA-G.
Other names: c.1666_1669delTACT (NM_032043.2); short protein forms Y556fs.
Identifiers: ClinVar variation 3759761 (VCV003759761.3).

ClinVar aggregate classification (germline): Pathogenic. Review status: criteria provided, multiple submitters, no conflicts (2 of 4 stars). 2 submissions from 2 submitters: Pathogenic (2). Last evaluated 2026-03-16.

Conditions:
Hereditary cancer-predisposing syndrome. Also called: Hereditary Cancer Syndrome; Hereditary neoplastic syndrome; Neoplastic Syndromes, Hereditary; Tumor predisposition. Identifiers: Orphanet 140162, MedGen C0027672, MeSH D009386, MONDO:0015356.
Fanconi anemia complementation group J. Also called: BRIP1-Related Fanconi Anemia. Identifiers: Orphanet 84, MedGen C1836860, MONDO:0012187, OMIM 609054.
Familial cancer of breast. Also called: hereditary breast carcinoma; BREAST CANCER, FAMILIAL; Hereditary breast cancer. Identifiers: Orphanet 227535, MedGen C0346153, MONDO:0016419, OMIM 114480. Disease mechanism: loss of function.

Submissions (2):

Ambry Genetics
Classification: Pathogenic for Hereditary cancer-predisposing syndrome. Last evaluated: 2026-03-16. Review status: criteria provided, single submitter. Criteria: Ambry Variant Classification Scheme 2023. Collection method: clinical testing. Allele origin: germline.
Comment: The c.1666_1669delTACT pathogenic mutation, located in coding exon 11 of the BRIP1 gene, results from a deletion of 4 nucleotides at nucleotide positions 1666 to 1669, causing a translational frameshift with a predicted alternate stop codon (p.Y556Pfs*33). This variant is considered to be rare based on population cohorts in the Genome Aggregation Database (gnomAD). This alteration is expected to result in loss of function by premature protein truncation or nonsense-mediated mRNA decay. As such, this alteration is interpreted as a disease-causing mutation.

Labcorp Genetics (formerly Invitae), Labcorp
Classification: Pathogenic for Familial cancer of breast; Fanconi anemia complementation group J. Last evaluated: 2025-11-10. Review status: criteria provided, single submitter. Criteria: Invitae Variant Classification Sherloc (09022015). Collection method: clinical testing. Allele origin: germline.
Comment: This sequence change creates a premature translational stop signal (p.Tyr556Profs*33) in the BRIP1 gene. It is expected to result in an absent or disrupted protein product. Loss-of-function variants in BRIP1 are known to be pathogenic (PMID: 16116423, 17033622, 21964575). This variant is not present in population databases (gnomAD no frequency). This variant has not been reported in the literature in individuals affected with BRIP1-related conditions. ClinVar contains an entry for this variant (Variation ID: 3759761). For these reasons, this variant has been classified as Pathogenic.

Literature cited by the submitters: PubMed 16116423 (cited by Labcorp Genetics (formerly Invitae), Labcorp); PubMed 17033622 (cited by Labcorp Genetics (formerly Invitae), Labcorp); PubMed 21964575 (cited by Labcorp Genetics (formerly Invitae), Labcorp).